The following is an entry in ClinVar:

NM_001035.3(RYR2):c.9561G>T (p.Lys3187Asn)

Gene: RYR2 (ryanodine receptor 2; plus strand). Cytogenetic location: 1q43.
Variant type: single nucleotide variant.
Coding change: c.9561G>T on transcript NM_001035.3 (MANE Select); coding-DNA position 9561, G replaced by T.
Protein change: p.Lys3187Asn; replaces lysine 3187 with asparagine.
Molecular consequence: missense variant.
Genome position (GRCh38, 1-based): chr1:237,705,324, G>T. VCF-style: chr1-237705324-G-T. GRCh37 (hg19) VCF-style: chr1-237868624-G-T.
Other names: short protein forms K3187N.
Identifiers: ClinVar variation 919488 (VCV000919488.5), dbSNP rs1060500168, ClinGen allele CA345407927.
Genomic context (GRCh38, chr1:237,705,324, plus strand): 5'-TGTAGCATTTTTGGAAACTCATCTGGACAAACATAATATTTACTCCATCTACAATACCAA[G>T]TCTTCACGAGAAAGAGCAGGTAACACAGAAACATGTGCAGTGCTTTGAGATATGAAGCTA-3'
Protein context (NP_001026.2, residues 3177-3197): KHNIYSIYNT[Lys3187Asn]SSRERAALSL

ClinVar aggregate classification (germline): Uncertain significance (1 of 4 stars; one submission).

Conditions:
Cardiomyopathy (CMYO). Also called: Cardiomyopathies. Identifiers: Orphanet 167848, MedGen C0878544, MONDO:0004994, HP:0001638. Inheritance: Various modes of inheritance.

Submission:

Color Diagnostics, LLC DBA Color Health
Classification: Uncertain significance for Cardiomyopathy. Last evaluated: 2023-12-04. Review status: criteria provided, single submitter. Criteria: ACMG Guidelines, 2015. Collection method: clinical testing. Allele origin: germline.
Comment: Variant of Uncertain Significance due to insufficient evidence: This missense variant is located in the cytoplasmic domain of the RYR2 protein. Computational prediction tools and conservation analyses are inconclusive regarding the impact of this variant on the protein function. Computational splicing tools suggest that this variant may not impact RNA splicing. To our knowledge, functional assays have not been performed for this variant nor has this variant been reported in individuals affected with cardiovascular disorders in the literature. This variant is rare in the general population and has been identified in 0/277264 chromosomes by the Genome Aggregation Database (gnomAD). Available evidence is insufficient to determine the pathogenicity of this variant conclusively.